The following is an entry in ClinVar:

NM_177438.3(DICER1):c.2921C>G (p.Thr974Arg)

Gene: DICER1 (dicer 1, ribonuclease III; minus strand). Cytogenetic location: 14q32.13.
Variant type: single nucleotide variant.
Coding change: c.2921C>G on transcript NM_177438.3 (MANE Select); coding-DNA position 2921, C replaced by G.
Protein change: p.Thr974Arg; replaces threonine 974 with arginine.
Molecular consequence: missense variant. On other transcripts: non-coding transcript variant (6).
Genome position (GRCh38, 1-based): chr14:95,106,107, G>C on the plus strand (C>G on the coding strand, the complement: DICER1 is on the minus strand). VCF-style: chr14-95106107-G-C. GRCh37 (hg19) VCF-style: chr14-95572444-G-C.
Other names: c.2921C>G, p.Thr974Arg (NM_001195573.1, NM_001271282.3, NM_001291628.2 and 12 more transcripts); c.2639C>G, p.Thr880Arg (NM_001395686.1); c.2516C>G, p.Thr839Arg (NM_001395687.1, NM_001395688.1, NM_001395689.1 and 2 more transcripts); c.2354C>G, p.Thr785Arg (NM_001395691.1); c.1238C>G, p.Thr413Arg (NM_001395697.1); short protein forms T880R, T413R, T785R, T839R, T974R.
Identifiers: ClinVar variation 3501817 (VCV003501817.1).

ClinVar aggregate classification (germline): Uncertain significance (1 of 4 stars; one submission).

Conditions:
Hereditary cancer-predisposing syndrome. Also called: Tumor predisposition; Neoplastic Syndromes, Hereditary; Hereditary Cancer Syndrome; Hereditary neoplastic syndrome. Identifiers: Orphanet 140162, MedGen C0027672, MeSH D009386, MONDO:0015356.

Submission:

Ambry Genetics
Classification: Uncertain significance for Hereditary cancer-predisposing syndrome. Last evaluated: 2024-09-30. Review status: criteria provided, single submitter. Criteria: Ambry Variant Classification Scheme 2023. Collection method: clinical testing. Allele origin: germline.
Comment: The p.T974R variant (also known as c.2921C>G), located in coding exon 17 of the DICER1 gene, results from a C to G substitution at nucleotide position 2921. The threonine at codon 974 is replaced by arginine, an amino acid with similar properties. This amino acid position is conserved. In addition, the in silico prediction for this alteration is inconclusive. Based on the available evidence, the clinical significance of this variant remains unclear.